The following is an entry in ClinVar:

ClinVar aggregate classification (germline): Uncertain significance (1 of 4 stars; one submission).

Conditions:
Baller-Gerold syndrome (BGS). Also called: CRANIOSYNOSTOSIS WITH RADIAL DEFECTS. Identifiers: Orphanet 1225, MedGen C0265308, MONDO:0009039, OMIM 218600.

Submission:

Labcorp Genetics (formerly Invitae), Labcorp
Classification: Uncertain significance for Baller-Gerold syndrome. Last evaluated: 2021-06-04. Review status: criteria provided, single submitter. Criteria: Invitae Variant Classification Sherloc (09022015). Collection method: clinical testing. Allele origin: germline.
Comment: In summary, the available evidence is currently insufficient to determine the role of this variant in disease. Therefore, it has been classified as a Variant of Uncertain Significance. Experimental studies and prediction algorithms are not available or were not evaluated, and the functional significance of this variant is currently unknown. This variant has not been reported in the literature in individuals with RECQL4-related conditions. This variant is not present in population databases (ExAC no frequency). This sequence change replaces proline with alanine at codon 503 of the RECQL4 protein (p.Pro503Ala). The proline residue is highly conserved and there is a small physicochemical difference between proline and alanine.

NM_004260.4(RECQL4):c.1507C>G (p.Pro503Ala)

Gene: RECQL4 (RecQ like helicase 4; minus strand). Cytogenetic location: 8q24.3.
Variant type: single nucleotide variant.
Coding change: c.1507C>G on transcript NM_004260.4 (MANE Select); coding-DNA position 1507, C replaced by G.
Protein change: p.Pro503Ala; replaces proline 503 with alanine.
Molecular consequence: missense variant.
Genome position (GRCh38, 1-based): chr8:144,515,049, G>C on the plus strand (C>G on the coding strand, the complement: RECQL4 is on the minus strand). VCF-style: chr8-144515049-G-C. GRCh37 (hg19) VCF-style: chr8-145740433-G-C.
Other names: short protein forms P503A.
Identifiers: ClinVar variation 1358537 (VCV001358537.6), dbSNP rs2130704218, ClinGen allele CA372684185.
Genomic context (GRCh38, chr8:144,515,049, plus strand): 5'-TGCGCCGGCTGTAGAGCAGCGCTGGGAGCTGGTAGCACAGGGACTTGCCGGCACCTGTAG[G>C]CAGCACCAGCAGCGTGGAGATGCCTGGATGGGGCGGGAGTCAGCAGCAGGGTTCTGCAGC-3'
Protein context (NP_004251.4, residues 493-513): LSGISTLLVL[Pro503Ala]TGAGKSLCYQ